The following is an entry in ClinVar:

NM_004304.5(ALK):c.1229G>C (p.Gly410Ala)

Gene: ALK (ALK receptor tyrosine kinase; minus strand). Cytogenetic location: 2p23.2.
Variant type: single nucleotide variant.
Coding change: c.1229G>C on transcript NM_004304.5 (MANE Select); coding-DNA position 1229, G replaced by C.
Protein change: p.Gly410Ala; replaces glycine 410 with alanine.
Molecular consequence: missense variant.
Genome position (GRCh38, 1-based): chr2:29,383,785, C>G on the plus strand (G>C on the coding strand, the complement: ALK is on the minus strand). VCF-style: chr2-29383785-C-G. GRCh37 (hg19) VCF-style: chr2-29606651-C-G.
Other names: short protein forms G410A.
Identifiers: ClinVar variation 2566612 (VCV002566612.2), dbSNP rs760717114, ClinGen allele CA346585222.

ClinVar aggregate classification (germline): Uncertain significance (1 of 4 stars; one submission).

Conditions:
Hereditary cancer-predisposing syndrome. Also called: Hereditary neoplastic syndrome; Hereditary Cancer Syndrome; Neoplastic Syndromes, Hereditary; Tumor predisposition. Identifiers: Orphanet 140162, MedGen C0027672, MeSH D009386, MONDO:0015356.

Submission:

Ambry Genetics
Classification: Uncertain significance for Hereditary cancer-predisposing syndrome. Last evaluated: 2023-06-09. Review status: criteria provided, single submitter. Criteria: Ambry Variant Classification Scheme 2023. Collection method: clinical testing. Allele origin: germline.
Comment: The p.G410A variant (also known as c.1229G>C), located in coding exon 5 of the ALK gene, results from a G to C substitution at nucleotide position 1229. The glycine at codon 410 is replaced by alanine, an amino acid with similar properties. This amino acid position is conserved. In addition, this alteration is predicted to be tolerated by in silico analysis. Since supporting evidence is limited at this time, the clinical significance of this alteration remains unclear.